The following is an entry in ClinVar:

NM_183357.3(ADCY5):c.1768A>G (p.Thr590Ala)

Gene: ADCY5 (adenylate cyclase 5; minus strand). Cytogenetic location: 3q21.1.
Variant type: single nucleotide variant.
Coding change: c.1768A>G on transcript NM_183357.3 (MANE Select); coding-DNA position 1768, A replaced by G.
Protein change: p.Thr590Ala; replaces threonine 590 with alanine.
Molecular consequence: missense variant.
Genome position (GRCh38, 1-based): chr3:123,328,681, T>C on the plus strand (A>G on the coding strand, the complement: ADCY5 is on the minus strand). VCF-style: chr3-123328681-T-C. GRCh37 (hg19) VCF-style: chr3-123047528-T-C.
Other names: c.718A>G, p.Thr240Ala (NM_001199642.1); c.1768A>G, p.Thr590Ala (NM_001378259.1); short protein forms T240A, T590A.
Identifiers: ClinVar variation 3234079 (VCV003234079.1), dbSNP rs2472847799, ClinGen allele CA354219474.
Genomic context (GRCh38, chr3:123,328,681, plus strand): 5'-AGCCACCCACAGCTGTCACTCACCCTGCCTTGCCGCCAGCCTCCATGTGGTTGGCTAGCG[T>C]GACATCGTTAGACCAGACGTCGAACTGCCACTTCCTGAGACCAAGGACACCGCAGTGTAC-3'
Protein context (NP_899200.1, residues 580-600): WQFDVWSNDV[Thr590Ala]LANHMEAGGK

ClinVar aggregate classification (germline): Uncertain significance (1 of 4 stars; one submission).

Conditions:
Dyskinesia with orofacial involvement, autosomal dominant (DSKOD). Also called: Dyskinesia, familial, with facial myokymia; Familial dyskinesia and facial myokymia; Familial Dyskinesia with Facial Myokymia (FDFM). Identifiers: Orphanet 324588, MedGen C1847627, MONDO:0800028, OMIM 606703.

Submission:

MVZ Medizinische Genetik Mainz
Classification: Uncertain significance for Dyskinesia with orofacial involvement, autosomal dominant. Last evaluated: 2022-09-08. Review status: criteria provided, single submitter. Criteria: UK Practice Guidelines For Variant Classification V4 01 2020. Collection method: clinical testing. Allele origin: germline. Inheritance: Autosomal dominant inheritance. Affected: yes. Observed: 1 variant allele.
Comment: ACMG Criteria: PM2_SUP, PP2, PP3 (ACMG Version 4)